The following is an entry in ClinVar:

ClinVar aggregate classification (germline): Uncertain significance (1 of 4 stars; one submission).

Conditions:
Myasthenic syndrome, congenital, 22 (CMS22). Also called: PREPL DEFICIENCY. Identifiers: MedGen C4479088, MONDO:0044299, OMIM 616224.

Allele frequency attached by ClinVar (database versions not stated): gnomAD exomes below 0.00001.

Submission:

Labcorp Genetics (formerly Invitae), Labcorp
Classification: Uncertain significance for Myasthenic syndrome, congenital, 22. Last evaluated: 2020-12-25. Review status: criteria provided, single submitter. Criteria: Invitae Variant Classification Sherloc (09022015). Collection method: clinical testing. Allele origin: germline.
Comment: In summary, the available evidence is currently insufficient to determine the role of this variant in disease. Therefore, it has been classified as a Variant of Uncertain Significance. Algorithms developed to predict the effect of missense changes on protein structure and function (SIFT, PolyPhen-2, Align-GVGD) all suggest that this variant is likely to be tolerated, but these predictions have not been confirmed by published functional studies and their clinical significance is uncertain. This variant has not been reported in the literature in individuals with PREPL-related conditions. This variant is not present in population databases (ExAC no frequency). This sequence change replaces valine with leucine at codon 208 of the PREPL protein (p.Val208Leu). The valine residue is moderately conserved and there is a small physicochemical difference between valine and leucine.

NM_001171613.2(PREPL):c.355G>T (p.Val119Leu)

Gene: PREPL (prolyl endopeptidase like; minus strand). Cytogenetic location: 2p21.
Variant type: single nucleotide variant.
Coding change: c.355G>T on transcript NM_001171613.2 (MANE Select); coding-DNA position 355, G replaced by T.
Protein change: p.Val119Leu; replaces valine 119 with leucine.
Molecular consequence: missense variant.
Genome position (GRCh38, 1-based): chr2:44,342,547, C>A on the plus strand (G>T on the coding strand, the complement: PREPL is on the minus strand). VCF-style: chr2-44342547-C-A. GRCh37 (hg19) VCF-style: chr2-44569686-C-A.
Other names: c.622G>T, p.Val208Leu (NM_001042385.2, NM_001042386.2, NM_001171603.1 and 4 more transcripts); c.355G>T, p.Val119Leu (NM_001171617.1, NM_001374277.1); short protein forms V119L, V208L.
Identifiers: ClinVar variation 1432331 (VCV001432331.8), dbSNP rs1675337911, ClinGen allele CA346692996.
Genomic context (GRCh38, chr2:44,342,547, plus strand): 5'-GACAGCGAAGGTTCCTCTGGAAGGTGTAGAATAAAACATCTTCATCTTCCTCGTCCTTTA[C>A]CCATTCTGAAAGAAAATAATGAGATAATTATACATAATCACCTACACTCCATTAAAAAAA-3'
Protein context (NP_001165084.1, residues 109-129): SFPNVSSFEW[Val119Leu]KDEEDEDVLF